The following is an entry in ClinVar:

ClinVar aggregate classification (germline): Likely pathogenic (1 of 4 stars; one submission).

Submission:

Mayo Clinic Laboratories, Mayo Clinic
Classification: Likely pathogenic. Last evaluated: 2021-10-06. Review status: criteria provided, single submitter. Criteria: ACMG Guidelines, 2015. Collection method: clinical testing. Allele origin: germline.
Comment: PP2, PP3, PM1, PM2, PM5

NM_000090.4(COL3A1):c.2491G>C (p.Gly831Arg)

Gene: COL3A1 (collagen type III alpha 1 chain; plus strand). Cytogenetic location: 2q32.2.
Variant type: single nucleotide variant.
Coding change: c.2491G>C on transcript NM_000090.4 (MANE Select); coding-DNA position 2491, G replaced by C.
Protein change: p.Gly831Arg; replaces glycine 831 with arginine.
Molecular consequence: missense variant.
Genome position (GRCh38, 1-based): chr2:189,003,000, G>C. VCF-style: chr2-189003000-G-C. GRCh37 (hg19) VCF-style: chr2-189867726-G-C.
Other names: p.Gly831Arg; short protein forms G831R.
Identifiers: ClinVar variation 1343350 (VCV001343350.4), dbSNP rs2153503377, ClinGen allele CA349842788.